The following is an entry in ClinVar:

ClinVar aggregate classification (germline): Pathogenic. Review status: reviewed by expert panel (3 of 4 stars). 2 submissions from 2 submitters: Pathogenic (1). 1 of the submissions does not count toward it. Last evaluated 2023-06-27.

Conditions:
Glycogen storage disease, type II (IOPD). Also called: Glucosidase acid-1,4-alpha deficiency; Glycogen storage disease type 2; Acid maltase deficiency disease; Aglucosidase alfa; Deficiency of alpha-glucosidase; Deficiency of lysosomal alpha-glucosidase. Identifiers: Orphanet 365, MedGen C0017921, MONDO:0009290, OMIM 232300.

Submissions (2):

ClinGen Lysosomal Storage Disorder Variant Curation Expert Panel
Classification: Pathogenic for Glycogen storage disease, type II. Last evaluated: 2023-06-27. Review status: reviewed by expert panel. Criteria: clingen_lsd_acmg_specifications_v2-1. Collection method: curation. Allele origin: germline. Inheritance: Autosomal recessive inheritance.
Comment: The NM_000152.5:c.934del (p.Leu312CysfsTer2) variant in GAA is a frameshift variant that is predicted to cause a premature stop codon in exon 5, leading to nonsense mediated decay in a gene in which loss-of-function is an established disease mechanism (PVS1). One patient with this variant and deficient GAA activity in dried blood spots has been reported (clinical laboratory data) (PP4_Moderate). This individual is compound heterozygous for the variant and c.1219T>C (p.Tyr407His). The allelic data from this patient will be used in the assessment of p.Tyr407His and is not included here to avoid circular logic. The variant is not in gnomAD v2.1.1 (PM2_Supporting). There is a ClinVar entry for this variant (Variation ID: 282254). In summary, this variant meets the criteria to be classified as pathogenic for Pompe disease. ACMG/AMP GAA-specific criteria applied, as specified by the ClinGen Lysosomal Diseases VCEP (Specifications Version 2.0): PVS1, PP4_Moderate, PM2_Supporting. (Classification approved by the ClinGen Lysosomal Diseases VCEP, June 27, 2023)

Eurofins Ntd Llc (ga)
Classification: Pathogenic. Last evaluated: 2015-08-07. Review status: criteria provided, single submitter. Criteria: EGL Classification Definitions 2015. Collection method: clinical testing. Allele origin: germline. Observed: 2 variant alleles, 2 heterozygotes. Not counted in ClinVar's aggregate classification.

NM_000152.5(GAA):c.934del (p.Leu312fs)

Gene: GAA (alpha glucosidase; plus strand). Cytogenetic location: 17q25.3.
Variant type: Deletion.
Coding change: c.934del on transcript NM_000152.5 (MANE Select); coding-DNA position 934, one base deleted (C; older notation c.934delC).
Protein change: p.Leu312fs; shifts the reading frame from leucine 312.
Molecular consequence: frameshift variant.
Genome position (GRCh38, 1-based): chr17:80,107,875, C deleted; the last of 2 consecutive C bases (chr17:80,107,874-80,107,875); deleting either gives the same sequence. VCF-style (leftmost placement, unchanged base first): chr17-80107873-TC-T. GRCh37 (hg19) VCF-style: chr17-78081672-TC-T.
Other names: c.934del, p.Leu312fs (NM_001079803.3, NM_001079804.3); short protein forms L312fs.
Identifiers: ClinVar variation 282254 (VCV000282254.9), dbSNP rs886042358, ClinGen allele CA10604123.